The following is an entry in ClinVar:

ClinVar aggregate classification (germline): Uncertain significance. Review status: criteria provided, multiple submitters, no conflicts (2 of 4 stars). 3 submissions from 3 submitters: Uncertain significance (3). Last evaluated 2023-10-05.

Conditions:
Ataxia-telangiectasia syndrome (AT). Also called: Ataxia telangiectasia (A-T); LOUIS-BAR SYNDROME; Cerebello-oculocutaneous telangiectasia; Immunodeficiency with ataxia telangiectasia; Ataxia-telangiectasia, complementation group D; AT, COMPLEMENTATION GROUP C. Identifiers: Orphanet 100, MedGen C0004135, MONDO:0008840, OMIM 208900.
Familial cancer of breast. Also called: Hereditary breast cancer; hereditary breast carcinoma; BREAST CANCER, FAMILIAL. Identifiers: Orphanet 227535, MedGen C0346153, MONDO:0016419, OMIM 114480. Disease mechanism: loss of function.
Hereditary cancer-predisposing syndrome. Also called: Hereditary neoplastic syndrome; Neoplastic Syndromes, Hereditary; Tumor predisposition; Hereditary Cancer Syndrome. Identifiers: Orphanet 140162, MedGen C0027672, MeSH D009386, MONDO:0015356.

Submissions (3):

Baylor Genetics
Classification: Uncertain significance for Familial cancer of breast. Last evaluated: 2023-10-05. Review status: criteria provided, single submitter. Criteria: ACMG Guidelines, 2015. Collection method: clinical testing. Allele origin: unknown.

Labcorp Genetics (formerly Invitae), Labcorp
Classification: Uncertain significance for Ataxia-telangiectasia syndrome. Last evaluated: 2022-09-20. Review status: criteria provided, single submitter. Criteria: Invitae Variant Classification Sherloc (09022015). Collection method: clinical testing. Allele origin: germline.
Comment: In summary, the available evidence is currently insufficient to determine the role of this variant in disease. Therefore, it has been classified as a Variant of Uncertain Significance. This sequence change replaces aspartic acid, which is acidic and polar, with histidine, which is basic and polar, at codon 2785 of the ATM protein (p.Asp2785His). This variant is not present in population databases (gnomAD no frequency). This variant has not been reported in the literature in individuals affected with ATM-related conditions. Algorithms developed to predict the effect of missense changes on protein structure and function (SIFT, PolyPhen-2, Align-GVGD) all suggest that this variant is likely to be tolerated. Algorithms developed to predict the effect of sequence changes on RNA splicing suggest that this variant may disrupt the consensus splice site.

Ambry Genetics
Classification: Uncertain significance for Hereditary cancer-predisposing syndrome. Last evaluated: 2020-04-30. Review status: criteria provided, single submitter. Criteria: Ambry Variant Classification Scheme 2023. Collection method: clinical testing. Allele origin: germline.
Comment: The p.D2785H variant (also known as c.8353G>C), located in coding exon 56 of the ATM gene, results from a G to C substitution at nucleotide position 8353. The aspartic acid at codon 2785 is replaced by histidine, an amino acid with similar properties. This amino acid position is poorly conserved in available vertebrate species. In addition, this alteration is predicted to be tolerated by in silico analysis. Since supporting evidence is limited at this time, the clinical significance of this alteration remains unclear.

NM_000051.4(ATM):c.8353G>C (p.Asp2785His)

Genes: C11orf65 (chromosome 11 open reading frame 65; minus strand), ATM (ATM serine/threonine kinase; plus strand). Cytogenetic location: 11q22.3.
Variant type: single nucleotide variant.
Coding change: c.8353G>C on transcript NM_000051.4 (MANE Select); coding-DNA position 8353, G replaced by C.
Protein change: p.Asp2785His; replaces aspartic acid 2785 with histidine.
Molecular consequence: missense variant. On other transcripts: intron variant (2).
Genome position (GRCh38, 1-based): chr11:108,343,306, G>C. VCF-style: chr11-108343306-G-C. GRCh37 (hg19) VCF-style: chr11-108214033-G-C.
Other names: c.8353G>C, p.Asp2785His (NM_001351834.2); c.641-34235C>G (NM_001330368.2); c.695-8014C>G (NM_001351110.2); short protein forms D2785H.
Identifiers: ClinVar variation 1763060 (VCV001763060.7), dbSNP rs587782417, ClinGen allele CA382516487.